The following is an entry in ClinVar:

NM_025243.4(SLC19A3):c.499A>G (p.Met167Val)

Gene: SLC19A3 (solute carrier family 19 member 3; minus strand). Cytogenetic location: 2q36.3.
Variant type: single nucleotide variant.
Coding change: c.499A>G on transcript NM_025243.4 (MANE Select); coding-DNA position 499, A replaced by G.
Protein change: p.Met167Val; replaces methionine 167 with valine.
Molecular consequence: missense variant.
Genome position (GRCh38, 1-based): chr2:227,699,216, T>C on the plus strand (A>G on the coding strand, the complement: SLC19A3 is on the minus strand). VCF-style: chr2-227699216-T-C. GRCh37 (hg19) VCF-style: chr2-228563932-T-C.
Other names: c.499A>G, p.Met167Val (NM_001371411.1, NM_001371412.1); c.487A>G, p.Met163Val (NM_001371413.1, NM_001371414.1); short protein forms M163V, M167V.
Identifiers: ClinVar variation 1999670 (VCV001999670.3), dbSNP rs987149246, ClinGen allele CA350877097.

ClinVar aggregate classification (germline): Uncertain significance (1 of 4 stars; one submission).

Conditions:
Biotin-responsive basal ganglia disease (BTBGD). Also called: Thiamine metabolism dysfunction syndrome type 2; Thiamine Transporter-2 Deficiency; Thiamine metabolism dysfunction syndrome 2 (biotin- or thiamine-responsive encephalopathy type 2); thiamine-responsive encephalopathy; THIAMINE METABOLISM DYSFUNCTION SYNDROME 2 (BIOTIN- AND THIAMINE-RESPONSIVE TYPE). Identifiers: Orphanet 199348, Orphanet 65284, MedGen C1843807, MONDO:0011841, OMIM 607483.

Allele frequency attached by ClinVar (database versions not stated): TOPMed below 0.00001.

Submission:

Labcorp Genetics (formerly Invitae), Labcorp
Classification: Uncertain significance for Biotin-responsive basal ganglia disease. Last evaluated: 2023-07-07. Review status: criteria provided, single submitter. Criteria: Invitae Variant Classification Sherloc (09022015). Collection method: clinical testing. Allele origin: germline.
Comment: This sequence change replaces methionine, which is neutral and non-polar, with valine, which is neutral and non-polar, at codon 167 of the SLC19A3 protein (p.Met167Val). This variant is present in population databases (no rsID available, gnomAD no frequency). This variant has not been reported in the literature in individuals affected with SLC19A3-related conditions. ClinVar contains an entry for this variant (Variation ID: 1999670). Advanced modeling of protein sequence and biophysical properties (such as structural, functional, and spatial information, amino acid conservation, physicochemical variation, residue mobility, and thermodynamic stability) performed at Invitae indicates that this missense variant is not expected to disrupt SLC19A3 protein function. In summary, the available evidence is currently insufficient to determine the role of this variant in disease. Therefore, it has been classified as a Variant of Uncertain Significance.